The following is an entry in ClinVar:

NM_001367805.3(KIF23):c.2910-315A>G

Gene: KIF23 (kinesin family member 23; plus strand). Cytogenetic location: 15q23.
Variant type: single nucleotide variant.
Coding change: c.2910-315A>G on transcript NM_001367805.3 (MANE Select); 315 bases into the intron before coding-DNA position 2910, A replaced by G.
Molecular consequence: intron variant.
Genome position (GRCh38, 1-based): chr15:69,447,477, A>G. VCF-style: chr15-69447477-A-G. GRCh37 (hg19) VCF-style: chr15-69739816-A-G.
Other names: c.2868-315A>G (NM_138555.4); c.*50-315A>G (NM_001367804.2); c.2556-315A>G (NM_004856.7); c.2286-315A>G (NM_001281301.2).
Identifiers: ClinVar variation 4795406 (VCV004795406.1).

ClinVar aggregate classification (germline): Likely benign (1 of 4 stars; one submission).

gnomAD v4.1: 2,863 of 152,274 alleles (1.9%); highest among the groups gnomAD compares: East Asian, 12%; 82 homozygotes.

Submission:

GeneDx
Classification: Likely benign. Last evaluated: 2018-07-09. Review status: criteria provided, single submitter. Criteria: GeneDx Variant Classification Process June 2021. Collection method: clinical testing. Allele origin: germline. Affected: yes.
Comment: See Variant Classification Assertion Criteria.